The following is an entry in ClinVar:

ClinVar aggregate classification (germline): Likely benign (1 of 4 stars; one submission).

Conditions:
MELAS syndrome (MELAS). Also called: Juvenile myopathy, encephalopathy, lactic acidosis, stroke. Identifiers: Orphanet 550, MedGen C0162671, MONDO:0010789, OMIM 540000.

Submission:

Wong Mito Lab, Molecular and Human Genetics, Baylor College of Medicine
Classification: Likely benign for MELAS syndrome. Last evaluated: 2019-07-12. Review status: criteria provided, single submitter. Criteria: Modified ACMG Guidelines (Unpublished). Collection method: clinical testing. Allele origin: germline.
Comment: The NC_012920.1:m.4385A>G variant in MT-TQ gene is interpreted to be a Likely Benign variant based on the modified ACMG guidelines (unpublished). This variant meets the following evidence codes reported in the guidelines: BS2, BP4

Literature cited by the submitters: PubMed 31965079.

NC_012920.1(MT-TQ):m.4385A>G

Gene: MT-TQ (mitochondrially encoded tRNA glutamine; minus strand).
Variant type: single nucleotide variant.
Genome position: chrM-4385-A-G.
Identifiers: ClinVar variation 689902 (VCV000689902.1), dbSNP rs386828941, ClinGen allele CA913177962.
Genomic context (GRCh38, chrMT:4,385, plus strand): 5'-ATTTCTAGGACTATGAGAATCGAACCCATCCCTGAGAATCCAAAATTCTCCGTGCCACCT[A>G]TCACACCCCATCCTAAAGTAAGGTCAGCTAAATAAGCTATCGGGCCCATACCCCGAAAAT-3'